The following is an entry in ClinVar:

NM_000465.4(BARD1):c.2139G>A (p.Val713=)

Gene: BARD1 (BRCA1 associated RING domain 1; minus strand). Cytogenetic location: 2q35.
Variant type: single nucleotide variant.
Coding change: c.2139G>A on transcript NM_000465.4 (MANE Select); coding-DNA position 2139, G replaced by A.
Protein change: p.Val713=; no amino-acid change (valine 713 retained).
Molecular consequence: synonymous variant. On other transcripts: non-coding transcript variant (3).
Genome position (GRCh38, 1-based): chr2:214,728,871, C>T on the plus strand (G>A on the coding strand, the complement: BARD1 is on the minus strand). VCF-style: chr2-214728871-C-T. GRCh37 (hg19) VCF-style: chr2-215593595-C-T.
Other names: c.2082G>A, p.Val694= (NM_001282543.2); c.786G>A, p.Val262= (NM_001282545.2); c.729G>A, p.Val243= (NM_001282548.2); c.600G>A, p.Val200= (NM_001282549.2).
Identifiers: ClinVar variation 3378613 (VCV003378613.1).

ClinVar aggregate classification (germline): Benign (1 of 4 stars; one submission).

Conditions:
Familial cancer of breast. Also called: hereditary breast carcinoma; Hereditary breast cancer; BREAST CANCER, FAMILIAL. Identifiers: Orphanet 227535, MedGen C0346153, MONDO:0016419, OMIM 114480. Disease mechanism: loss of function.

Submission:

Myriad Genetics, Inc.
Classification: Benign for Familial cancer of breast. Last evaluated: 2024-07-29. Review status: criteria provided, single submitter. Criteria: Myriad Autosomal Dominant, Autosomal Recessive and X-Linked Classification Criteria (2023). Collection method: clinical testing. Allele origin: unknown.
Comment: This variant is considered benign. This variant is a silent/synonymous amino acid change and it is not expected to impact splicing.